The following is an entry in ClinVar:

NM_004577.4(PSPH):c.*317G>A

Gene: PSPH (phosphoserine phosphatase; minus strand). Cytogenetic location: 7p11.2.
Variant type: single nucleotide variant.
Coding change: c.*317G>A on transcript NM_004577.4 (MANE Select); 317 bases downstream of the stop codon, G replaced by A.
Molecular consequence: 3 prime UTR variant.
Genome position (GRCh38, 1-based): chr7:56,011,445, C>T on the plus strand (G>A on the coding strand, the complement: PSPH is on the minus strand). VCF-style: chr7-56011445-C-T. GRCh37 (hg19) VCF-style: chr7-56079138-C-T.
Other names: c.*317G>A (NM_001370503.1, NM_001370504.1, NM_001370505.1 and 17 more transcripts).
Identifiers: ClinVar variation 360499 (VCV000360499.5), dbSNP rs565399960, ClinGen allele CA10629278.
Genomic context (GRCh38, chr7:56,011,445, plus strand): 5'-CGGATGTGGTGGCGGGTGCCTGTAGTCCCAGCTACTCGGGAGGCTGAGGCAGGAGAATGG[C>T]GTGAACCTGGGAGGCAGAGCTTGCAGTGAGCCGAGACCGCGCCACTGCACTCCAGCCTGG-3'

ClinVar aggregate classification (germline): Likely benign (1 of 4 stars; one submission).

Conditions:
Deficiency of phosphoserine phosphatase (PSPHD). Also called: Phosphoserine phosphatase deficiency; PSPH deficiency. Identifiers: Orphanet 79350, MedGen C1291463, MONDO:0013531, OMIM 614023.

Allele frequency attached by ClinVar (database versions not stated): gnomAD 0.00009 and 0.00024; gnomAD exomes 0.00082; 1000 Genomes Project 30x 0.00141; 1000 Genomes Project 0.00200.

Submission:

Illumina Laboratory Services, Illumina
Classification: Likely benign for Deficiency of phosphoserine phosphatase. Last evaluated: 2018-01-13. Review status: criteria provided, single submitter. Criteria: ICSL Variant Classification Criteria 13 December 2019. Collection method: clinical testing. Allele origin: germline.
Comment: This variant was observed in the ICSL laboratory as part of a predisposition screen in an ostensibly healthy population. It had not been previously curated by ICSL or reported in the Human Gene Mutation Database (HGMD: prior to June 1st, 2018), and was therefore a candidate for classification through an automated scoring system. Utilizing variant allele frequency, disease prevalence and penetrance estimates, and inheritance mode, an automated score was calculated to assess if this variant is too frequent to cause the disease. Based on the score and internal cut-off values, a variant classified as likely benign is not then subjected to further curation. The score for this variant resulted in a classification of likely benign for this disease.